The following is an entry in ClinVar:

ClinVar aggregate classification (germline): Likely benign. Review status: criteria provided, multiple submitters, no conflicts (2 of 4 stars). 4 submissions from 4 submitters: Likely benign (4). Last evaluated 2026-01-10.

Conditions:
Cardiovascular phenotype. Identifiers: MedGen CN230736.
APOA1-related disorder. Also called: APOA1-related condition.

Allele frequency attached by ClinVar (database versions not stated): ESP Exome Variant Server 0.00008; TOPMed 0.00008; gnomAD 0.00003 and 0.00004; gnomAD exomes 0.00004 and 0.00007.

Submissions (4):

PreventionGenetics, part of Exact Sciences
Classification: Likely benign for APOA1-related condition. Last evaluated: 2026-01-10. Review status: criteria provided, single submitter. Criteria: ACMG Guidelines, 2015. Collection method: clinical testing. Allele origin: germline.
Comment: This variant is classified as likely benign based on ACMG/AMP sequence variant interpretation guidelines (Richards et al. 2015 PMID: 25741868, with internal and published modifications).

Labcorp Genetics (formerly Invitae), Labcorp
Classification: Likely benign. Last evaluated: 2025-11-19. Review status: criteria provided, single submitter. Criteria: Invitae Variant Classification Sherloc (09022015). Collection method: clinical testing. Allele origin: germline.

Blueprint Genetics
Classification: Likely benign. Last evaluated: 2024-11-11. Review status: criteria provided, single submitter. Criteria: ACMG Guidelines, 2015. Collection method: clinical testing. Allele origin: germline.

Ambry Genetics
Classification: Likely benign for Cardiovascular phenotype. Last evaluated: 2019-05-19. Review status: criteria provided, single submitter. Criteria: Ambry Variant Classification Scheme 2023. Collection method: clinical testing. Allele origin: germline.

NM_000039.3(APOA1):c.12G>A (p.Ala4=)

Genes: APOA1 (apolipoprotein A1; minus strand), APOA1-AS (APOA1 antisense RNA; plus strand). Cytogenetic location: 11q23.3.
Variant type: single nucleotide variant.
Coding change: c.12G>A on transcript NM_000039.3 (MANE Select); coding-DNA position 12, G replaced by A.
Protein change: p.Ala4=; no amino-acid change (alanine 4 retained).
Molecular consequence: synonymous variant.
Genome position (GRCh38, 1-based): chr11:116,837,376, C>T on the plus strand (G>A on the coding strand, the complement: APOA1 is on the minus strand). VCF-style: chr11-116837376-C-T. GRCh37 (hg19) VCF-style: chr11-116708092-C-T.
Other names: c.12G>A, p.Ala4= (NM_001318017.2, NM_001318018.2); c.-272G>A (NM_001318021.2); c.12G>A (NM_000039.2).
Identifiers: ClinVar variation 1478526 (VCV001478526.12), dbSNP rs368534370, ClinGen allele CA6289931.